The following is an entry in ClinVar:

ClinVar aggregate classification (germline): Pathogenic (1 of 4 stars; one submission).

gnomAD v4.1: 2 of 1,613,738 alleles (0.00012%); highest among the groups gnomAD compares: Non-Finnish European, 0.00017%; no homozygotes.

Submission:

Labcorp Genetics (formerly Invitae), Labcorp
Classification: Pathogenic. Last evaluated: 2024-03-03. Review status: criteria provided, single submitter. Criteria: Invitae Variant Classification Sherloc (09022015). Collection method: clinical testing. Allele origin: germline.
Comment: This sequence change creates a premature translational stop signal (p.Arg4781*) in the HERC1 gene. It is expected to result in an absent or disrupted protein product. Loss-of-function variants in HERC1 are known to be pathogenic (PMID: 26138117, 26153217, 27108999). This variant is not present in population databases (gnomAD no frequency). This variant has not been reported in the literature in individuals affected with HERC1-related conditions. For these reasons, this variant has been classified as Pathogenic.

Literature cited by the submitters: PubMed 26138117; PubMed 26153217; PubMed 27108999.

NM_003922.4(HERC1):c.14341C>T (p.Arg4781Ter)

Gene: HERC1 (HECT and RLD domain containing E3 ubiquitin protein ligase family member 1; minus strand). Cytogenetic location: 15q22.31.
Variant type: single nucleotide variant.
Coding change: c.14341C>T on transcript NM_003922.4 (MANE Select); coding-DNA position 14341, C replaced by T.
Protein change: p.Arg4781Ter; replaces arginine 4781 with a stop codon.
Molecular consequence: nonsense.
Genome position (GRCh38, 1-based): chr15:63,612,310, G>A on the plus strand (C>T on the coding strand, the complement: HERC1 is on the minus strand). VCF-style: chr15-63612310-G-A. GRCh37 (hg19) VCF-style: chr15-63904509-G-A.
Other names: short protein forms R4781*.
Identifiers: ClinVar variation 3690618 (VCV003690618.2).